The following is an entry in ClinVar:

NM_001018115.3(FANCD2):c.1921C>T (p.His641Tyr)

Genes: FANCD2 (FA complementation group D2; plus strand), LOC107303338 (3p25 FANCD2 Alu-mediated recombination region; plus strand). Cytogenetic location: 3p25.3.
Variant type: single nucleotide variant.
Coding change: c.1921C>T on transcript NM_001018115.3 (MANE Select); coding-DNA position 1921, C replaced by T.
Protein change: p.His641Tyr; replaces histidine 641 with tyrosine.
Molecular consequence: missense variant.
Genome position (GRCh38, 1-based): chr3:10,063,885, C>T. VCF-style: chr3-10063885-C-T. GRCh37 (hg19) VCF-style: chr3-10105569-C-T.
Other names: c.1921C>T, p.His641Tyr (NM_001319984.2, NM_001374254.1, NM_033084.6); c.1810C>T, p.His604Tyr (NM_001374253.1); short protein forms H604Y, H641Y.
Identifiers: ClinVar variation 1319401 (VCV001319401.5), dbSNP rs765128164, ClinGen allele CA2249871.

ClinVar aggregate classification (germline): Uncertain significance. Review status: criteria provided, multiple submitters, no conflicts (2 of 4 stars). 2 submissions from 2 submitters: Uncertain significance (2). Last evaluated 2026-04-11.

Allele frequency attached by ClinVar (database versions not stated): gnomAD 0.00001; gnomAD exomes 0.00002; TOPMed 0.00002; ExAC 0.00003.
gnomAD v4.1: 17 of 1,614,138 alleles (0.0011%); highest among the groups gnomAD compares: Non-Finnish European, 0.0014%; no homozygotes.

Submissions (2):

GeneDx
Classification: Uncertain significance. Last evaluated: 2026-04-11. Review status: criteria provided, single submitter. Criteria: GeneDx Variant Classification Process June 2021. Collection method: clinical testing. Allele origin: germline.
Comment: In silico analysis suggests that this missense variant does not alter protein structure/function; Has not been previously published as pathogenic or benign to our knowledge

Institute for Clinical Genetics, University Hospital TU Dresden, University Hospital TU Dresden
Classification: Uncertain significance. Last evaluated: 2021-11-03. Review status: criteria provided, single submitter. Criteria: ACMG Guidelines, 2015. Collection method: clinical testing. Allele origin: germline.